The following is an entry in ClinVar:

NM_004817.4(TJP2):c.2724C>T (p.Gly908=)

Gene: TJP2 (tight junction protein 2; plus strand). Cytogenetic location: 9q21.11.
Variant type: single nucleotide variant.
Coding change: c.2724C>T on transcript NM_004817.4 (MANE Select); coding-DNA position 2724, C replaced by T.
Protein change: p.Gly908=; no amino-acid change (glycine 908 retained).
Molecular consequence: synonymous variant. On other transcripts: intron variant (1).
Genome position (GRCh38, 1-based): chr9:69,248,068, C>T. VCF-style: chr9-69248068-C-T. GRCh37 (hg19) VCF-style: chr9-71862984-C-T.
Other names: c.2655C>T, p.Gly885= (NM_001170414.2, NM_001369871.1); c.2736C>T, p.Gly912= (NM_001170415.1, NM_001369874.1, NM_001369875.1); c.2817C>T, p.Gly939= (NM_001170416.2); c.2649C>T, p.Gly883= (NM_001369870.1); c.2724C>T, p.Gly908= (NM_001369872.1, NM_201629.3); c.2667+1278C>T (NM_001369873.1); c.2724C>T (NM_004817.3).
Identifiers: ClinVar variation 3687492 (VCV003687492.4).

ClinVar aggregate classification (germline): Likely benign. Review status: criteria provided, multiple submitters, no conflicts (2 of 4 stars). 3 submissions from 3 submitters: Likely benign (3). Last evaluated 2025-10-20.

Conditions:
TJP2-related disorder. Also called: TJP2-related condition.

gnomAD v4.1: 21 of 1,613,976 alleles (0.0013%); highest among the groups gnomAD compares: Admixed American, 0.015%; no homozygotes.

Submissions (3):

Labcorp Genetics (formerly Invitae), Labcorp
Classification: Likely benign. Last evaluated: 2025-10-20. Review status: criteria provided, single submitter. Criteria: Invitae Variant Classification Sherloc (09022015). Collection method: clinical testing. Allele origin: germline.

PreventionGenetics, part of Exact Sciences
Classification: Likely benign for TJP2-related condition. Last evaluated: 2024-12-30. Review status: criteria provided, single submitter. Criteria: ACMG Guidelines, 2015. Collection method: clinical testing. Allele origin: germline.
Comment: This variant is classified as likely benign based on ACMG/AMP sequence variant interpretation guidelines (Richards et al. 2015 PMID: 25741868, with internal and published modifications).

Blueprint Genetics
Classification: Likely benign. Last evaluated: 2023-05-05. Review status: criteria provided, single submitter. Criteria: ACMG Guidelines, 2015. Collection method: clinical testing. Allele origin: germline.